The following is an entry in ClinVar:

NM_001379200.1(TBX1):c.1079G>A (p.Gly360Glu)

Gene: TBX1 (T-box transcription factor 1; plus strand). Cytogenetic location: 22q11.21.
Variant type: single nucleotide variant.
Coding change: c.1079G>A on transcript NM_001379200.1 (MANE Select); coding-DNA position 1079, G replaced by A.
Protein change: p.Gly360Glu; replaces glycine 360 with glutamic acid.
Molecular consequence: missense variant. On other transcripts: intron variant (2).
Genome position (GRCh38, 1-based): chr22:19,766,431, G>A. VCF-style: chr22-19766431-G-A. GRCh37 (hg19) VCF-style: chr22-19753954-G-A.
Other names: c.1052G>A, p.Gly351Glu (NM_080647.1); c.1009+429G>A (NM_005992.1, NM_080646.2); short protein forms G360E, G351E.
Identifiers: ClinVar variation 3689506 (VCV003689506.2).

ClinVar aggregate classification (germline): Uncertain significance (1 of 4 stars; one submission).

Conditions:
DiGeorge syndrome. Also called: THIRD AND FOURTH PHARYNGEAL POUCH SYNDROME; Catch22. Identifiers: Orphanet 567, MedGen C0012236, MONDO:0008564, OMIM 188400.

Submission:

Labcorp Genetics (formerly Invitae), Labcorp
Classification: Uncertain significance for DiGeorge syndrome. Last evaluated: 2024-10-08. Review status: criteria provided, single submitter. Criteria: Invitae Variant Classification Sherloc (09022015). Collection method: clinical testing. Allele origin: germline.
Comment: This sequence change replaces glycine, which is neutral and non-polar, with glutamic acid, which is acidic and polar, at codon 351 of the TBX1 protein (p.Gly351Glu). This variant is not present in population databases (gnomAD no frequency). This variant has not been reported in the literature in individuals affected with TBX1-related conditions. An algorithm developed to predict the effect of missense changes on protein structure and function (PolyPhen-2) suggests that this variant is likely to be tolerated. In summary, the available evidence is currently insufficient to determine the role of this variant in disease. Therefore, it has been classified as a Variant of Uncertain Significance.